The following is an entry in ClinVar:

ClinVar aggregate classification (germline): Uncertain significance (1 of 4 stars; one submission).

gnomAD v4.1: 13 of 1,614,076 alleles (0.00081%); highest among the groups gnomAD compares: Non-Finnish European, 0.001%; no homozygotes.

Submission:

Labcorp Genetics (formerly Invitae), Labcorp
Classification: Uncertain significance. Last evaluated: 2021-08-14. Review status: criteria provided, single submitter. Criteria: Invitae Variant Classification Sherloc (09022015). Collection method: clinical testing. Allele origin: germline.
Comment: This sequence change replaces leucine with phenylalanine at codon 1557 of the CAD protein (p.Leu1557Phe). The leucine residue is moderately conserved and there is a small physicochemical difference between leucine and phenylalanine. This variant is present in population databases (rs199990394, ExAC 0.002%). This variant has not been reported in the literature in individuals affected with CAD-related conditions. Algorithms developed to predict the effect of missense changes on protein structure and function are either unavailable or do not agree on the potential impact of this missense change (SIFT: "Deleterious"; PolyPhen-2: "Benign"; Align-GVGD: "Class C0"). In summary, the available evidence is currently insufficient to determine the role of this variant in disease. Therefore, it has been classified as a Variant of Uncertain Significance.

NM_004341.5(CAD):c.4669C>T (p.Leu1557Phe)

Gene: CAD (carbamoyl-phosphate synthetase 2, aspartate transcarbamylase, and dihydroorotase; plus strand). Cytogenetic location: 2p23.3.
Variant type: single nucleotide variant.
Coding change: c.4669C>T on transcript NM_004341.5 (MANE Select); coding-DNA position 4669, C replaced by T.
Protein change: p.Leu1557Phe; replaces leucine 1557 with phenylalanine.
Molecular consequence: missense variant.
Genome position (GRCh38, 1-based): chr2:27,237,823, C>T. VCF-style: chr2-27237823-C-T. GRCh37 (hg19) VCF-style: chr2-27460691-C-T.
Other names: c.4480C>T, p.Leu1494Phe (NM_001306079.2); short protein forms L1494F, L1557F.
Identifiers: ClinVar variation 1465687 (VCV001465687.5), dbSNP rs199990394, ClinGen allele CA1573606.